The following is an entry in ClinVar:

NM_032608.7(MYO18B):c.3284G>A (p.Arg1095Gln)

Gene: MYO18B (myosin XVIIIB; plus strand). Cytogenetic location: 22q12.1.
Variant type: single nucleotide variant.
Coding change: c.3284G>A on transcript NM_032608.7 (MANE Select); coding-DNA position 3284, G replaced by A.
Protein change: p.Arg1095Gln; replaces arginine 1095 with glutamine.
Molecular consequence: missense variant.
Genome position (GRCh38, 1-based): chr22:25,843,810, G>A. VCF-style: chr22-25843810-G-A. GRCh37 (hg19) VCF-style: chr22-26239777-G-A.
Other names: c.3287G>A, p.Arg1096Gln (NM_001318245.2); short protein forms R1095Q, R1096Q.
Identifiers: ClinVar variation 2151213 (VCV002151213.4), dbSNP rs767358409, ClinGen allele CA10160513.

ClinVar aggregate classification (germline): Uncertain significance. Review status: criteria provided, multiple submitters, no conflicts (2 of 4 stars). 2 submissions from 2 submitters: Uncertain significance (2). Last evaluated 2024-05-04.

Allele frequency attached by ClinVar (database versions not stated): gnomAD 0.00002; TOPMed 0.00002; gnomAD exomes 0.00003; ExAC 0.00004.
gnomAD v4.1: 51 of 1,613,754 alleles (0.0032%); highest among the groups gnomAD compares: Middle Eastern, 0.016%; no homozygotes.

Submissions (2):

Labcorp Genetics (formerly Invitae), Labcorp
Classification: Uncertain significance. Last evaluated: 2024-05-04. Review status: criteria provided, single submitter. Criteria: Invitae Variant Classification Sherloc (09022015). Collection method: clinical testing. Allele origin: germline.
Comment: This sequence change replaces arginine, which is basic and polar, with glutamine, which is neutral and polar, at codon 1095 of the MYO18B protein (p.Arg1095Gln). This variant is present in population databases (rs767358409, gnomAD 0.03%). This variant has not been reported in the literature in individuals affected with MYO18B-related conditions. ClinVar contains an entry for this variant (Variation ID: 2151213). An algorithm developed to predict the effect of missense changes on protein structure and function (PolyPhen-2) suggests that this variant is likely to be disruptive. In summary, the available evidence is currently insufficient to determine the role of this variant in disease. Therefore, it has been classified as a Variant of Uncertain Significance.

Blueprint Genetics
Classification: Uncertain significance. Last evaluated: 2024-02-19. Review status: criteria provided, single submitter. Criteria: ACMG Guidelines, 2015. Collection method: clinical testing. Allele origin: germline.